The following is an entry in ClinVar:

ClinVar aggregate classification (germline): Benign. Review status: criteria provided, multiple submitters, no conflicts (2 of 4 stars). 13 submissions from 12 submitters: Benign (10). 3 of the submissions do not count toward it. Last evaluated 2026-02-03.

Conditions:
Lateral meningocele syndrome (LMNS). Also called: NOTCH3-Related Lateral Meningocele Syndrome. Identifiers: Orphanet 2789, MedGen C1851710, MONDO:0007537, OMIM 130720.
Cerebral arteriopathy, autosomal dominant, with subcortical infarcts and leukoencephalopathy, type 1 (CADASIL1). Also called: CASIL; Cerebral arteriopathy with subcortical infarcts and leukoencephalopathy 1; DEMENTIA, HEREDITARY MULTIINFARCT TYPE; CADASIL 1. Identifiers: Orphanet 136, MedGen C4551768, MONDO:0000914, OMIM 125310.

Allele frequency attached by ClinVar (database versions not stated): gnomAD exomes 0.86383 and 0.89233; 1000 Genomes Project 0.87001; ExAC 0.87407; 1000 Genomes Project 30x 0.87555; TOPMed 0.89559; gnomAD 0.90198 and 0.90675; ESP Exome Variant Server 0.92365.

Submissions (13):

Labcorp Genetics (formerly Invitae), Labcorp
Classification: Benign. Last evaluated: 2026-02-03. Review status: criteria provided, single submitter. Criteria: Invitae Variant Classification Sherloc (09022015). Collection method: clinical testing. Allele origin: germline.

Blueprint Genetics
Classification: Benign. Last evaluated: 2024-11-28. Review status: criteria provided, single submitter. Criteria: ACMG Guidelines, 2015. Collection method: clinical testing. Allele origin: germline.

Mayo Clinic Laboratories, Mayo Clinic
Classification: Benign. Last evaluated: 2022-04-26. Review status: criteria provided, single submitter. Criteria: ACMG Guidelines, 2015. Collection method: clinical testing. Allele origin: germline. Observed: 3,024 variant alleles.

Genome-Nilou Lab
Classification: Benign for Cerebral arteriopathy, autosomal dominant, with subcortical infarcts and leukoencephalopathy, type 1. Last evaluated: 2021-09-05. Review status: criteria provided, single submitter. Criteria: ACMG Guidelines, 2015. Collection method: clinical testing. Allele origin: germline. Affected: no.

Genome-Nilou Lab
Classification: Benign for Lateral meningocele syndrome. Last evaluated: 2021-09-05. Review status: criteria provided, single submitter. Criteria: ACMG Guidelines, 2015. Collection method: clinical testing. Allele origin: germline. Affected: no.

ARUP Laboratories, Molecular Genetics and Genomics, ARUP Laboratories
Classification: Benign. Last evaluated: 2021-01-14. Review status: criteria provided, single submitter. Criteria: ARUP Molecular Germline Variant Investigation Process 2021. Collection method: clinical testing. Allele origin: germline.

GeneDx
Classification: Benign. Last evaluated: 2019-09-25. Review status: criteria provided, single submitter. Criteria: GeneDx Variant Classification Process June 2021. Collection method: clinical testing. Allele origin: germline. Affected: yes.

Illumina Laboratory Services, Illumina
Classification: Benign for Cerebral arteriopathy, autosomal dominant, with subcortical infarcts and leukoencephalopathy, type 1. Last evaluated: 2018-01-12. Review status: criteria provided, single submitter. Criteria: ICSL Variant Classification Criteria 13 December 2019. Collection method: clinical testing. Allele origin: germline.
Comment: This variant was observed in the ICSL laboratory as part of a predisposition screen in an ostensibly healthy population. It had not been previously curated by ICSL or reported in the Human Gene Mutation Database (HGMD: prior to June 1st, 2018), and was therefore a candidate for classification through an automated scoring system. Utilizing variant allele frequency, disease prevalence and penetrance estimates, and inheritance mode, an automated score was calculated to assess if this variant is too frequent to cause the disease. Based on the score and internal cut-off values, a variant classified as benign is not then subjected to further curation. The score for this variant resulted in a classification of benign for this disease.

Breakthrough Genomics
Classification: Benign. Review status: criteria provided, single submitter. Criteria: ACMG Guidelines, 2015. Collection method: not provided. Allele origin: germline. Inheritance: Autosomal dominant inheritance. Affected: yes.

PreventionGenetics, part of Exact Sciences
Classification: Benign. Review status: criteria provided, single submitter. Criteria: ACMG Guidelines, 2015. Collection method: clinical testing. Allele origin: germline.

Clinical Genetics DNA and cytogenetics Diagnostics Lab, Erasmus MC, Erasmus Medical Center
Classification: Benign. Review status: no assertion criteria provided. Collection method: clinical testing. Allele origin: germline. Affected: yes. Study: VKGL Data-share Consensus. Not counted in ClinVar's aggregate classification.

Diagnostic Laboratory, Department of Genetics, University Medical Center Groningen
Classification: Benign. Review status: no assertion criteria provided. Collection method: clinical testing. Allele origin: germline. Affected: yes. Study: VKGL Data-share Consensus. Not counted in ClinVar's aggregate classification.

Genome Diagnostics Laboratory, Amsterdam University Medical Center
Classification: Benign. Review status: no assertion criteria provided. Collection method: clinical testing. Allele origin: germline. Affected: yes. Study: VKGL Data-share Consensus. Not counted in ClinVar's aggregate classification.

NM_000435.3(NOTCH3):c.5362+3T>C

Gene: NOTCH3 (notch receptor 3; minus strand). Cytogenetic location: 19p13.12.
Variant type: single nucleotide variant.
Coding change: c.5362+3T>C on transcript NM_000435.3 (MANE Select); 3 bases into the intron after coding-DNA position 5362, T replaced by C.
Molecular consequence: intron variant.
Genome position (GRCh38, 1-based): chr19:15,167,246, A>G on the plus strand (T>C on the coding strand, the complement: NOTCH3 is on the minus strand). VCF-style: chr19-15167246-A-G. GRCh37 (hg19) VCF-style: chr19-15278057-A-G.
Other names: p.?.
Identifiers: ClinVar variation 256140 (VCV000256140.34), dbSNP rs1548555, ClinGen allele CA9262657.
Genomic context (GRCh38, chr19:15,167,246, plus strand): 5'-AAATAACCTCTCACAGGTAGGATGGGTGAGGGGCATCCCTTTGGGAGGGGCACTGTCACT[A>G]ACCTGGGCCACGCACATTGACATCCATGCCATCAGCATCTGCGTCGCCCTGTGGTGGTGT-3'